The following is an entry in ClinVar:

ClinVar aggregate classification (germline): Uncertain significance. Review status: criteria provided, multiple submitters, no conflicts (2 of 4 stars). 3 submissions from 3 submitters: Uncertain significance (3). Last evaluated 2025-11-17.

Conditions:
Hereditary cancer-predisposing syndrome. Also called: Neoplastic Syndromes, Hereditary; Hereditary neoplastic syndrome; Tumor predisposition; Hereditary Cancer Syndrome. Identifiers: Orphanet 140162, MedGen C0027672, MeSH D009386, MONDO:0015356.
Ataxia-telangiectasia syndrome (AT). Also called: Ataxia telangiectasia (A-T); Cerebello-oculocutaneous telangiectasia; Immunodeficiency with ataxia telangiectasia; LOUIS-BAR SYNDROME; AT, COMPLEMENTATION GROUP C; ATAXIA-TELANGIECTASIA, FRESNO VARIANT. Identifiers: Orphanet 100, MedGen C0004135, MONDO:0008840, OMIM 208900.

Submissions (3):

Labcorp Genetics (formerly Invitae), Labcorp
Classification: Uncertain significance for Ataxia-telangiectasia syndrome. Last evaluated: 2025-11-17. Review status: criteria provided, single submitter. Criteria: Invitae Variant Classification Sherloc (09022015). Collection method: clinical testing. Allele origin: germline.
Comment: This sequence change replaces threonine, which is neutral and polar, with isoleucine, which is neutral and non-polar, at codon 1926 of the ATM protein (p.Thr1926Ile). This variant is not present in population databases (gnomAD no frequency). This variant has not been reported in the literature in individuals affected with ATM-related conditions. ClinVar contains an entry for this variant (Variation ID: 234231). Invitae Evidence Modeling of protein sequence and biophysical properties (such as structural, functional, and spatial information, amino acid conservation, physicochemical variation, residue mobility, and thermodynamic stability) has been performed for this missense variant. However, the output from this modeling did not meet the statistical confidence thresholds required to predict the impact of this variant on ATM protein function. In summary, the available evidence is currently insufficient to determine the role of this variant in disease. Therefore, it has been classified as a Variant of Uncertain Significance.

Ambry Genetics
Classification: Uncertain significance for Hereditary cancer-predisposing syndrome. Last evaluated: 2025-06-26. Review status: criteria provided, single submitter. Criteria: Ambry Variant Classification Scheme 2023. Collection method: clinical testing. Allele origin: germline.
Comment: The p.T1926I variant (also known as c.5777C>T), located in coding exon 38 of the ATM gene, results from a C to T substitution at nucleotide position 5777. The threonine at codon 1926 is replaced by isoleucine, an amino acid with similar properties. This amino acid position is highly conserved in available vertebrate species. In addition, this alteration is predicted to be deleterious by in silico analysis. Based on the available evidence, the clinical significance of this variant remains unclear.

CeGaT Center for Human Genetics Tuebingen
Classification: Uncertain significance. Last evaluated: 2020-10-01. Review status: criteria provided, single submitter. Criteria: CeGaT Center For Human Genetics Tuebingen Variant Classification Criteria Version 2. Collection method: clinical testing. Allele origin: germline. Affected: yes. Observed: 1 variant allele.

NM_000051.4(ATM):c.5777C>T (p.Thr1926Ile)

Genes: ATM (ATM serine/threonine kinase; plus strand), C11orf65 (chromosome 11 open reading frame 65; minus strand). Cytogenetic location: 11q22.3.
Variant type: single nucleotide variant.
Coding change: c.5777C>T on transcript NM_000051.4 (MANE Select); coding-DNA position 5777, C replaced by T.
Protein change: p.Thr1926Ile; replaces threonine 1926 with isoleucine.
Molecular consequence: missense variant. On other transcripts: intron variant (2).
Genome position (GRCh38, 1-based): chr11:108,310,174, C>T. VCF-style: chr11-108310174-C-T. GRCh37 (hg19) VCF-style: chr11-108180901-C-T.
Other names: c.5777C>T, p.Thr1926Ile (NM_001351834.2); c.641-1103G>A (NM_001330368.2); c.*39-1103G>A (NM_001351110.2); short protein forms T1926I.
Identifiers: ClinVar variation 234231 (VCV000234231.47), dbSNP rs876660944, ClinGen allele CA10579197.